The following is an entry in ClinVar:

NM_001065.4(TNFRSF1A):c.770G>C (p.Gly257Ala)

Gene: TNFRSF1A (TNF receptor superfamily member 1A; minus strand). Cytogenetic location: 12p13.31.
Variant type: single nucleotide variant.
Coding change: c.770G>C on transcript NM_001065.4 (MANE Select); coding-DNA position 770, G replaced by C.
Protein change: p.Gly257Ala; replaces glycine 257 with alanine.
Molecular consequence: missense variant. On other transcripts: non-coding transcript variant (1).
Genome position (GRCh38, 1-based): chr12:6,330,065, C>G on the plus strand (G>C on the coding strand, the complement: TNFRSF1A is on the minus strand). VCF-style: chr12-6330065-C-G. GRCh37 (hg19) VCF-style: chr12-6439231-C-G.
Other names: c.311G>C, p.Gly104Ala (NM_001346092.2); c.446G>C, p.Gly149Ala (NM_001346091.2); short protein forms G104A, G149A, G257A.
Identifiers: ClinVar variation 1056835 (VCV001056835.9), dbSNP rs768572402, ClinGen allele CA6405358.

ClinVar aggregate classification (germline): Uncertain significance (1 of 4 stars; one submission).

Conditions:
TNF receptor-associated periodic fever syndrome (TRAPS) (FPF). Also called: TNF RECEPTOR-ASSOCIATED PERIODIC SYNDROME; TUMOR NECROSIS FACTOR RECEPTOR-ASSOCIATED PERIODIC SYNDROME; FAMILIAL HIBERNIAN FEVER; TNF receptor 1-associated periodic fever syndrome; TNF Receptor-Associated Periodic Fever Syndrome; Autosomal Dominant Familial Periodic Fever. Identifiers: Orphanet 32960, MedGen C1275126, MONDO:0007727, OMIM 142680.

Allele frequency attached by ClinVar (database versions not stated): gnomAD exomes below 0.00001 and 0.00001; ExAC 0.00001.
gnomAD v4.1: 6 of 1,612,830 alleles (0.00037%); highest among the groups gnomAD compares: Non-Finnish European, 0.00051%; no homozygotes.

Submission:

Labcorp Genetics (formerly Invitae), Labcorp
Classification: Uncertain significance for TNF receptor-associated periodic fever syndrome (TRAPS). Last evaluated: 2022-08-31. Review status: criteria provided, single submitter. Criteria: Invitae Variant Classification Sherloc (09022015). Collection method: clinical testing. Allele origin: germline.
Comment: This sequence change replaces glycine, which is neutral and non-polar, with alanine, which is neutral and non-polar, at codon 257 of the TNFRSF1A protein (p.Gly257Ala). In summary, the available evidence is currently insufficient to determine the role of this variant in disease. Therefore, it has been classified as a Variant of Uncertain Significance. Algorithms developed to predict the effect of missense changes on protein structure and function (SIFT, PolyPhen-2, Align-GVGD) all suggest that this variant is likely to be tolerated. ClinVar contains an entry for this variant (Variation ID: 1056835). This variant has not been reported in the literature in individuals affected with TNFRSF1A-related conditions. This variant is present in population databases (rs768572402, gnomAD 0.0009%).